The following is an entry in ClinVar:

NM_002473.6(MYH9):c.891C>T (p.Tyr297=)

Gene: MYH9 (myosin heavy chain 9; minus strand). Cytogenetic location: 22q12.3.
Variant type: single nucleotide variant.
Coding change: c.891C>T on transcript NM_002473.6 (MANE Select); coding-DNA position 891, C replaced by T.
Protein change: p.Tyr297=; no amino-acid change (tyrosine 297 retained).
Molecular consequence: synonymous variant.
Genome position (GRCh38, 1-based): chr22:36,320,341, G>A on the plus strand (C>T on the coding strand, the complement: MYH9 is on the minus strand). VCF-style: chr22-36320341-G-A. GRCh37 (hg19) VCF-style: chr22-36716386-G-A.
Identifiers: ClinVar variation 2082719 (VCV002082719.8), dbSNP rs371017134, ClinGen allele CA10210428.
Genomic context (GRCh38, chr22:36,320,341, plus strand): 5'-GTCCTTGTCCTGCTGCCCGGGGATGGTGACGTGTCCATTGGACAGGAAGCGGTATTTGTT[G>A]TACGGCTCCAACAGGAGATCGGCTGTAAGGGGTGGAGGGCAAGGGCGCCTCAGCGAGGTG-3'
Protein context (NP_002464.1, residues 287-307): HLKTDLLLEP[Tyr297=]NKYRFLSNGH

ClinVar aggregate classification (germline): Likely benign. Review status: criteria provided, multiple submitters, no conflicts (2 of 4 stars). 4 submissions from 4 submitters: Likely benign (3). 1 of the submissions does not count toward it. Last evaluated 2025-12-29.

Conditions:
MYH9-related disorder. Identifiers: MedGen C1854520.

Allele frequency attached by ClinVar (database versions not stated): ExAC 0.00001; gnomAD 0.00001; gnomAD exomes 0.00001; TOPMed 0.00002; ESP Exome Variant Server 0.00015.
gnomAD v4.1: 6 of 1,613,938 alleles (0.00037%); highest among the groups gnomAD compares: Admixed American, 0.0033%; no homozygotes.

Submissions (4):

Women's Health and Genetics/Laboratory Corporation of America, LabCorp
Classification: Likely benign. Last evaluated: 2025-12-29. Review status: criteria provided, single submitter. Criteria: LabCorp Variant Classification Summary - May 2015. Collection method: clinical testing. Allele origin: germline.

Labcorp Genetics (formerly Invitae), Labcorp
Classification: Likely benign. Last evaluated: 2024-07-04. Review status: criteria provided, single submitter. Criteria: Invitae Variant Classification Sherloc (09022015). Collection method: clinical testing. Allele origin: germline.

Blueprint Genetics
Classification: Likely benign. Last evaluated: 2024-05-23. Review status: criteria provided, single submitter. Criteria: ACMG Guidelines, 2015. Collection method: clinical testing. Allele origin: germline.

PreventionGenetics, part of Exact Sciences
Classification: Likely benign for MYH9-related condition. Last evaluated: 2023-12-05. Review status: no assertion criteria provided. Collection method: clinical testing. Allele origin: germline. Not counted in ClinVar's aggregate classification.
Comment: This variant is classified as likely benign based on ACMG/AMP sequence variant interpretation guidelines (Richards et al. 2015 PMID: 25741868, with internal and published modifications).